The following is an entry in ClinVar:

NM_001458.5(FLNC):c.5440A>G (p.Ile1814Val)

Genes: FLNC (filamin C; plus strand), FLNC-AS1 (FLNC antisense RNA 1; minus strand). Cytogenetic location: 7q32.1.
Variant type: single nucleotide variant.
Coding change: c.5440A>G on transcript NM_001458.5 (MANE Select); coding-DNA position 5440, A replaced by G.
Protein change: p.Ile1814Val; replaces isoleucine 1814 with valine.
Molecular consequence: missense variant.
Genome position (GRCh38, 1-based): chr7:128,850,844, A>G. VCF-style: chr7-128850844-A-G. GRCh37 (hg19) VCF-style: chr7-128490898-A-G.
Other names: c.5341A>G, p.Ile1781Val (NM_001127487.2); short protein forms I1781V, I1814V.
Identifiers: ClinVar variation 1524246 (VCV001524246.9), dbSNP rs1168575419, ClinGen allele CA369206691.

ClinVar aggregate classification (germline): Uncertain significance. Review status: criteria provided, multiple submitters, no conflicts (2 of 4 stars). 2 submissions from 2 submitters: Uncertain significance (2). Last evaluated 2025-07-23.

Conditions:
Myofibrillar myopathy 5. Also called: Filaminopathy (type); FILAMINOPATHY, AUTOSOMAL DOMINANT. Identifiers: Orphanet 171445, MedGen C1836050, MONDO:0012289, OMIM 609524.
Distal myopathy with posterior leg and anterior hand involvement. Also called: WILLIAMS DISTAL MYOPATHY. Identifiers: Orphanet 63273, MedGen C3279722, MONDO:0013550, OMIM 614065.
Hypertrophic cardiomyopathy 26. Also called: Cardiomyopathy, familial hypertrophic, 26. Identifiers: Orphanet 75249, MedGen C4310749, MONDO:0014883, OMIM 617047.

Allele frequency attached by ClinVar (database versions not stated): gnomAD exomes below 0.00001; gnomAD 0.00001; TOPMed 0.00001.

Submissions (2):

Labcorp Genetics (formerly Invitae), Labcorp
Classification: Uncertain significance for Distal myopathy with posterior leg and anterior hand involvement; Myofibrillar myopathy 5; Hypertrophic cardiomyopathy 26. Last evaluated: 2025-07-23. Review status: criteria provided, single submitter. Criteria: Invitae Variant Classification Sherloc (09022015). Collection method: clinical testing. Allele origin: germline.
Comment: This sequence change replaces isoleucine, which is neutral and non-polar, with valine, which is neutral and non-polar, at codon 1814 of the FLNC protein (p.Ile1814Val). This variant is present in population databases (no rsID available, gnomAD 0.006%). This variant has not been reported in the literature in individuals affected with FLNC-related conditions. ClinVar contains an entry for this variant (Variation ID: 1524246). Invitae Evidence Modeling of protein sequence and biophysical properties (such as structural, functional, and spatial information, amino acid conservation, physicochemical variation, residue mobility, and thermodynamic stability) has been performed for this missense variant. However, the output from this modeling did not meet the statistical confidence thresholds required to predict the impact of this variant on FLNC protein function. In summary, the available evidence is currently insufficient to determine the role of this variant in disease. Therefore, it has been classified as a Variant of Uncertain Significance.

Human Genetics Bochum, Ruhr University Bochum
Classification: Uncertain significance. Last evaluated: 2023-03-16. Review status: criteria provided, single submitter. Criteria: ACMG Guidelines, 2015. Collection method: clinical testing. Allele origin: germline. Affected: yes.
Comment: ACMG criteria used to clasify this variant: PM2_SUP, PP3